The following is an entry in ClinVar:

ClinVar aggregate classification (germline): Uncertain significance. Review status: criteria provided, multiple submitters, no conflicts (2 of 4 stars). 4 submissions from 4 submitters: Uncertain significance (4). Last evaluated 2024-09-09.

Conditions:
Cardiovascular phenotype. Identifiers: MedGen CN230736.
Myofibrillar myopathy 5. Also called: Filaminopathy (type); FILAMINOPATHY, AUTOSOMAL DOMINANT. Identifiers: Orphanet 171445, MedGen C1836050, MONDO:0012289, OMIM 609524.
Hypertrophic cardiomyopathy 26. Also called: Cardiomyopathy, familial hypertrophic, 26. Identifiers: Orphanet 75249, MedGen C4310749, MONDO:0014883, OMIM 617047.
Distal myopathy with posterior leg and anterior hand involvement. Also called: WILLIAMS DISTAL MYOPATHY. Identifiers: Orphanet 63273, MedGen C3279722, MONDO:0013550, OMIM 614065.

Allele frequency attached by ClinVar (database versions not stated): gnomAD exomes below 0.00001.

Submissions (4):

GeneDx
Classification: Uncertain significance. Last evaluated: 2024-09-09. Review status: criteria provided, single submitter. Criteria: GeneDx Variant Classification Process June 2021. Collection method: clinical testing. Allele origin: germline.
Comment: Not observed at significant frequency in large population cohorts (gnomAD); In silico analysis supports that this missense variant has a deleterious effect on protein structure/function; Has not been previously published as pathogenic or benign to our knowledge

Blueprint Genetics
Classification: Uncertain significance. Last evaluated: 2023-11-01. Review status: criteria provided, single submitter. Criteria: ACMG Guidelines, 2015. Collection method: clinical testing. Allele origin: germline.

Labcorp Genetics (formerly Invitae), Labcorp
Classification: Uncertain significance for Distal myopathy with posterior leg and anterior hand involvement; Myofibrillar myopathy 5; Hypertrophic cardiomyopathy 26. Last evaluated: 2022-08-07. Review status: criteria provided, single submitter. Criteria: Invitae Variant Classification Sherloc (09022015). Collection method: clinical testing. Allele origin: germline.
Comment: This sequence change replaces serine, which is neutral and polar, with leucine, which is neutral and non-polar, at codon 2405 of the FLNC protein (p.Ser2405Leu). This variant is not present in population databases (gnomAD no frequency). This variant has not been reported in the literature in individuals affected with FLNC-related conditions. ClinVar contains an entry for this variant (Variation ID: 1487187). Algorithms developed to predict the effect of missense changes on protein structure and function are either unavailable or do not agree on the potential impact of this missense change (SIFT: "Deleterious"; PolyPhen-2: "Benign"; Align-GVGD: "Class C0"). In summary, the available evidence is currently insufficient to determine the role of this variant in disease. Therefore, it has been classified as a Variant of Uncertain Significance.

Ambry Genetics
Classification: Uncertain significance for Cardiovascular phenotype. Last evaluated: 2020-03-23. Review status: criteria provided, single submitter. Criteria: Ambry Variant Classification Scheme 2023. Collection method: clinical testing. Allele origin: germline.
Comment: The p.S2405L variant (also known as c.7214C>T), located in coding exon 43 of the FLNC gene, results from a C to T substitution at nucleotide position 7214. The serine at codon 2405 is replaced by leucine, an amino acid with dissimilar properties. This amino acid position is well conserved in available vertebrate species. In addition, the in silico prediction for this alteration is inconclusive. Since supporting evidence is limited at this time, the clinical significance of this alteration remains unclear.

NM_001458.5(FLNC):c.7214C>T (p.Ser2405Leu)

Genes: FLNC (filamin C; plus strand), FLNC-AS1 (FLNC antisense RNA 1; minus strand). Cytogenetic location: 7q32.1.
Variant type: single nucleotide variant.
Coding change: c.7214C>T on transcript NM_001458.5 (MANE Select); coding-DNA position 7214, C replaced by T.
Protein change: p.Ser2405Leu; replaces serine 2405 with leucine.
Molecular consequence: missense variant.
Genome position (GRCh38, 1-based): chr7:128,855,277, C>T. VCF-style: chr7-128855277-C-T. GRCh37 (hg19) VCF-style: chr7-128495331-C-T.
Other names: c.7115C>T, p.Ser2372Leu (NM_001127487.2); short protein forms S2372L, S2405L.
Identifiers: ClinVar variation 1487187 (VCV001487187.13), dbSNP rs2128939759, ClinGen allele CA369215905.
Genomic context (GRCh38, chr7:128,855,277, plus strand): 5'-TCAAGTTCAATGATGAGCACATCCCAGACAGCCCCTTTGTGGTGCCTGTGGCCTCCCTCT[C>T]GGATGACGCTCGCCGTCTCACTGTCACCAGCCTCCAGGTTTGTGCCCAGGGTGGGGGTGG-3'
Protein context (NP_001449.3, residues 2395-2415): SPFVVPVASL[Ser2405Leu]DDARRLTVTS